The following is an entry in ClinVar:

NM_000455.5(STK11):c.1292_*15dup (p.Ala429_Ter434=)

Gene: STK11 (serine/threonine kinase 11; plus strand). Cytogenetic location: 19p13.3.
Variant type: Duplication.
Coding change: c.1292_*15dup on transcript NM_000455.5 (MANE Select); coding-DNA position 1292 through 15 bases downstream of the stop codon, 26 bases duplicated (AGCAGCAGTGAGGCTGGCCGCCTGCA).
Protein change: p.Ala429_Ter434=.
Molecular consequence: no sequence alteration. On other transcripts: frameshift variant (1), non-coding transcript variant (1).
Genome position (GRCh38, 1-based): chr19:1,226,637-1,226,662, AGCAGCAGTGAGGCTGGCCGCCTGCA duplicated; duplicating any 26 consecutive bases within chr19:1,226,630-1,226,662 gives the same sequence; the c. name uses the placement nearest the transcript's 3' end. VCF-style (leftmost placement, unchanged base first): chr19-1226629-G-GGCCTGCAAGCAGCAGTGAGGCTGGCC. GRCh37 (hg19) VCF-style: chr19-1226628-G-GGCCTGCAAGCAGCAGTGAGGCTGGCC.
Other names: c.1292_*15dupAGCAGCAGTGAGGCTGGCCGCCTGCA (NM_000455.4).
Identifiers: ClinVar variation 485005 (VCV000485005.7), dbSNP rs1555740288, ClinGen allele CA631034277.
Genomic context (GRCh38, chr19:1,226,629, plus strand): 5'-CCGGGCCCCCAACCCTGCCCGCAAGGCCTGCTCCGCCAGCAGCAAGATCCGCCGGCTGTC[G>GGCCTGCAAGCAGCAGTGAGGCTGGCC]GCCTGCAAGCAGCAGTGAGGCTGGCCGCCTGCAGGTGGGGCGCGGCGGGGCCCGGGTGGG-3'

ClinVar aggregate classification (germline): Uncertain significance. Review status: criteria provided, multiple submitters, no conflicts (2 of 4 stars). 2 submissions from 2 submitters: Uncertain significance (2). Last evaluated 2024-08-06.

Conditions:
Hereditary cancer-predisposing syndrome. Also called: Hereditary neoplastic syndrome; Neoplastic Syndromes, Hereditary; Tumor predisposition; Hereditary Cancer Syndrome. Identifiers: Orphanet 140162, MedGen C0027672, MeSH D009386, MONDO:0015356.
Peutz-Jeghers syndrome (PJS). Also called: POLYPOSIS, HAMARTOMATOUS INTESTINAL; POLYPS-AND-SPOTS SYNDROME; Peutz-Jeghers polyposis; Periorificial lentiginosis syndrome. Identifiers: Orphanet 2869, MedGen C0031269, MeSH D010580, MONDO:0008280, OMIM 175200.

Submissions (2):

All of Us Research Program, National Institutes of Health
Classification: Uncertain significance for Peutz-Jeghers syndrome. Last evaluated: 2024-08-06. Review status: criteria provided, single submitter. Criteria: ACMG Guidelines, 2015. Collection method: clinical testing. Allele origin: germline. Inheritance: Autosomal dominant inheritance. Observed: 2 variant alleles, 2 heterozygotes.
Comment: This variant inserts 26 nucleotides in exon 9 and part of 3' untranslated region of the STK11 gene. To our knowledge, this variant has not been reported in individuals affected with STK11-related disorders in the literature. This variant has not been identified in the general population by the Genome Aggregation Database (gnomAD). Loss of STK11 function is a known mechanism of disease. The available evidence is insufficient to determine the role of this variant in disease conclusively. Therefore, this variant is classified as a Variant of Uncertain Significance.

This study involves interpretation of variants in research participants for the purpose of population health screening. Participant phenotype was not available at the time of variant classification. Additional details can be found in publication PMID: 35346344, PMCID: PMC8962531

Ambry Genetics
Classification: Uncertain significance for Hereditary cancer-predisposing syndrome. Last evaluated: 2017-06-20. Review status: criteria provided, single submitter. Criteria: Ambry Variant Classification Scheme 2023. Collection method: clinical testing. Allele origin: germline.
Comment: The c.1292_*15dup26 variant spans coding exon 9 into the 3' untranslated region (3&rsquo;UTR) of the STK11 gene. This variant results from a duplication of 26 nucleotides that extends beyond the termination codon of the STK11 gene. Since supporting evidence is limited at this time, the clinical significance of this alteration remains unclear.